The following is an entry in ClinVar:

NM_000059.4(BRCA2):c.1621G>T (p.Glu541Ter)

Gene: BRCA2 (BRCA2 DNA repair associated; plus strand). Cytogenetic location: 13q13.1.
Variant type: single nucleotide variant.
Coding change: c.1621G>T on transcript NM_000059.4 (MANE Select); coding-DNA position 1621, G replaced by T.
Protein change: p.Glu541Ter; replaces glutamic acid 541 with a stop codon.
Molecular consequence: nonsense.
Genome position (GRCh38, 1-based): chr13:32,333,099, G>T. VCF-style: chr13-32333099-G-T. GRCh37 (hg19) VCF-style: chr13-32907236-G-T.
Other names: 1849G>T; short protein forms E541*.
Identifiers: ClinVar variation 266648 (VCV000266648.11), dbSNP rs886040378, ClinGen allele CA10589107.

ClinVar aggregate classification (germline): Pathogenic. Review status: reviewed by expert panel (3 of 4 stars). 4 submissions from 4 submitters: Pathogenic (1). 3 of the submissions do not count toward it. Last evaluated 2016-10-18.

Conditions:
Hereditary breast ovarian cancer syndrome. Also called: Hereditary breast and ovarian cancer; Hereditary breast and ovarian cancer syndrome (HBOC); Hereditary breast and/or ovarian cancer syndrome; Breast and ovarian cancer; Hereditary breast and ovarian cancer syndrome; BRCA1- and BRCA2-Associated Hereditary Breast and Ovarian Cancer. Identifiers: Orphanet 145, MedGen C0677776, MeSH D061325, MONDO:0003582. Disease mechanism: loss of function.
Hereditary cancer-predisposing syndrome. Also called: Tumor predisposition; Neoplastic Syndromes, Hereditary; Hereditary neoplastic syndrome; Hereditary Cancer Syndrome. Identifiers: Orphanet 140162, MedGen C0027672, MeSH D009386, MONDO:0015356.
Breast-ovarian cancer, familial, susceptibility to, 2 (BROVCA2). Also called: BRCA2 Hereditary Breast and Ovarian Cancer. Identifiers: Orphanet 145, MedGen C2675520, MONDO:0012933, OMIM 612555. Disease mechanism: loss of function.

Allele frequency attached by ClinVar (database versions not stated): gnomAD exomes below 0.00001.
gnomAD v4.1: 1 of 1,613,678 alleles (0.000062%); highest among the groups gnomAD compares: Non-Finnish European, 0.000085%; no homozygotes.

Submissions (4):

Evidence-based Network for the Interpretation of Germline Mutant Alleles (ENIGMA)
Classification: Pathogenic for Breast-ovarian cancer, familial, susceptibility to, 2. Last evaluated: 2016-10-18. Review status: reviewed by expert panel. Criteria: ENIGMA BRCA1/2 Classification Criteria (2015). Collection method: curation. Allele origin: germline.
Comment: Variant allele predicted to encode a truncated non-functional protein.

Ambry Genetics
Classification: Pathogenic for Hereditary cancer-predisposing syndrome. Last evaluated: 2024-12-30. Review status: criteria provided, single submitter. Criteria: Ambry Variant Classification Scheme 2023. Collection method: clinical testing. Allele origin: germline. Not counted in ClinVar's aggregate classification.
Comment: The p.E541* pathogenic mutation (also known as c.1621G>T), located in coding exon 9 of the BRCA2 gene, results from a G to T substitution at nucleotide position 1621. This changes the amino acid from a glutamic acid to a stop codon within coding exon 9. This variant is considered to be rare based on population cohorts in the Genome Aggregation Database (gnomAD). This alteration is expected to result in loss of function by premature protein truncation or nonsense-mediated mRNA decay. As such, this alteration is interpreted as a disease-causing mutation.

Labcorp Genetics (formerly Invitae), Labcorp
Classification: Pathogenic for Hereditary breast ovarian cancer syndrome. Last evaluated: 2024-03-11. Review status: criteria provided, single submitter. Criteria: Invitae Variant Classification Sherloc (09022015). Collection method: clinical testing. Allele origin: germline. Not counted in ClinVar's aggregate classification.
Comment: This sequence change creates a premature translational stop signal (p.Glu541*) in the BRCA2 gene. It is expected to result in an absent or disrupted protein product. Loss-of-function variants in BRCA2 are known to be pathogenic (PMID: 20104584). This variant is not present in population databases (gnomAD no frequency). This premature translational stop signal has been observed in individual(s) with breast cancer and/or ovarian cancer (PMID: 28724667, 30702160). ClinVar contains an entry for this variant (Variation ID: 266648). For these reasons, this variant has been classified as Pathogenic.

Consortium of Investigators of Modifiers of BRCA1/2 (CIMBA), c/o University of Cambridge
Classification: Pathogenic for Breast-ovarian cancer, familial, susceptibility to, 2. Last evaluated: 2015-10-02. Review status: criteria provided, single submitter. Criteria: CIMBA Mutation Classification guidelines May 2016. Collection method: clinical testing. Allele origin: germline. Not counted in ClinVar's aggregate classification.

Literature cited by the submitters: PubMed 20104584 (cited by Labcorp Genetics (formerly Invitae), Labcorp); PubMed 28724667 (cited by Labcorp Genetics (formerly Invitae), Labcorp); PubMed 30702160 (cited by Labcorp Genetics (formerly Invitae), Labcorp).